The following is an entry in ClinVar:

NM_000179.3(MSH6):c.2127T>A (p.Tyr709Ter)

Gene: MSH6 (mutS homolog 6; plus strand). Cytogenetic location: 2p16.3.
Variant type: single nucleotide variant.
Coding change: c.2127T>A on transcript NM_000179.3 (MANE Select); coding-DNA position 2127, T replaced by A.
Protein change: p.Tyr709Ter; replaces tyrosine 709 with a stop codon.
Molecular consequence: nonsense.
Genome position (GRCh38, 1-based): chr2:47,800,110, T>A. VCF-style: chr2-47800110-T-A. GRCh37 (hg19) VCF-style: chr2-48027249-T-A.
Other names: c.1737T>A, p.Tyr579Ter (NM_001281492.2); c.1221T>A, p.Tyr407Ter (NM_001281493.2, NM_001281494.2); short protein forms Y709*, Y407*, Y579*.
Identifiers: ClinVar variation 89255 (VCV000089255.17), dbSNP rs587779232, ClinGen allele CA009710.

ClinVar aggregate classification (germline): Pathogenic. Review status: reviewed by expert panel (3 of 4 stars). 6 submissions from 6 submitters: Pathogenic (1). 5 of the submissions do not count toward it. Last evaluated 2013-09-05.

Conditions:
Lynch syndrome. Identifiers: Orphanet 144, MedGen C4552100, MONDO:0005835. Disease mechanism: loss of function.
Lynch syndrome 5 (LYNCH5). Also called: Colorectal cancer, hereditary nonpolyposis, type 5; Hereditary non-polyposis colorectal cancer, type 5. Identifiers: Orphanet 144, MedGen C1833477, MONDO:0013710, OMIM 614350. Disease mechanism: loss of function.
Hereditary cancer-predisposing syndrome. Also called: Tumor predisposition; Hereditary Cancer Syndrome; Hereditary neoplastic syndrome; Neoplastic Syndromes, Hereditary. Identifiers: Orphanet 140162, MedGen C0027672, MeSH D009386, MONDO:0015356.
Hereditary nonpolyposis colorectal neoplasms. Identifiers: MedGen C0009405, MeSH D003123.
Endometrial carcinoma. Also called: Endometrial carcinoma, somatic. Identifiers: MedGen C0476089, MONDO:0002447, OMIM 608089, HP:0012114.

Submissions (6):

International Society for Gastrointestinal Hereditary Tumours (InSiGHT)
Classification: Pathogenic for Lynch Syndrome. Last evaluated: 2013-09-05. Review status: reviewed by expert panel. Criteria: Guidelines v1.9. Collection method: research. Allele origin: germline.
Comment: Coding sequence variation resulting in a stop codon

Classified with v1.9 guidelines

Labcorp Genetics (formerly Invitae), Labcorp
Classification: Pathogenic for Hereditary nonpolyposis colorectal neoplasms. Last evaluated: 2025-06-10. Review status: criteria provided, single submitter. Criteria: Invitae Variant Classification Sherloc (09022015). Collection method: clinical testing. Allele origin: germline. Not counted in ClinVar's aggregate classification.
Comment: This sequence change creates a premature translational stop signal (p.Tyr709*) in the MSH6 gene. It is expected to result in an absent or disrupted protein product. Loss-of-function variants in MSH6 are known to be pathogenic (PMID: 18269114, 24362816). This variant is not present in population databases (gnomAD no frequency). This premature translational stop signal has been observed in individual(s) with clinical features of MSH6-related conditions (PMID: 28514183). ClinVar contains an entry for this variant (Variation ID: 89255). For these reasons, this variant has been classified as Pathogenic.

GeneDx
Classification: Pathogenic. Last evaluated: 2023-10-18. Review status: criteria provided, single submitter. Criteria: GeneDx Variant Classification Process June 2021. Collection method: clinical testing. Allele origin: germline. Affected: yes. Not counted in ClinVar's aggregate classification.
Comment: Nonsense variant predicted to result in protein truncation or nonsense mediated decay in a gene for which loss of function is a known mechanism of disease; Not observed at significant frequency in large population cohorts (gnomAD); Truncating variants in this gene are considered pathogenic by a well-established clinical consortium and/or database; Observed in an individual with ovarian cancer (Lilyquist et al., 2017); This variant is associated with the following publications: (PMID: 28152038, 28514183, 28888541)

Myriad Genetics, Inc.
Classification: Pathogenic for Lynch syndrome 5. Last evaluated: 2023-08-16. Review status: criteria provided, single submitter. Criteria: Myriad Autosomal Dominant, Autosomal Recessive and X-Linked Classification Criteria (2023). Collection method: clinical testing. Allele origin: unknown. Not counted in ClinVar's aggregate classification.
Comment: This variant is considered pathogenic. This variant creates a termination codon and is predicted to result in premature protein truncation.

Ambry Genetics
Classification: Pathogenic for Hereditary cancer-predisposing syndrome. Last evaluated: 2023-05-10. Review status: criteria provided, single submitter. Criteria: Ambry Variant Classification Scheme 2023. Collection method: clinical testing. Allele origin: germline. Not counted in ClinVar's aggregate classification.
Comment: The p.Y709* pathogenic mutation (also known as c.2127T>A), located in coding exon 4 of the MSH6 gene, results from a T to A substitution at nucleotide position 2127. This changes the amino acid from a tyrosine to a stop codon within coding exon 4. This variant is considered to be rare based on population cohorts in the Genome Aggregation Database (gnomAD). This alteration is expected to result in loss of function by premature protein truncation or nonsense-mediated mRNA decay. As such, this alteration is interpreted as a disease-causing mutation.

Baylor Genetics
Classification: Pathogenic for Endometrial carcinoma. Last evaluated: 2021-08-28. Review status: criteria provided, single submitter. Criteria: ACMG Guidelines, 2015. Collection method: clinical testing. Allele origin: unknown. Not counted in ClinVar's aggregate classification.

Literature cited by the submitters: PubMed 18269114 (cited by Labcorp Genetics (formerly Invitae), Labcorp); PubMed 24362816 (cited by Labcorp Genetics (formerly Invitae), Labcorp); PubMed 28514183 (cited by Labcorp Genetics (formerly Invitae), Labcorp).